The following is an entry in ClinVar:

ClinVar aggregate classification (germline): Pathogenic. Review status: criteria provided, multiple submitters, no conflicts (2 of 4 stars). 25 submissions from 25 submitters: Pathogenic (22). 3 of the submissions do not count toward it. Last evaluated 2026-07-08.

Conditions:
FH-related disorder. Also called: FH-related disorders; FH-related condition.
Hereditary leiomyomatosis and renal cell cancer. Also called: Multiple cutaneous leiomyomas; LEIOMYOMA, MULTIPLE CUTANEOUS; FH tumor predisposition syndrome; MULTIPLE CUTANEOUS AND UTERINE LEIOMYOMATA 1, WITH OR WITHOUT RENAL CELL CARCINOMA; Reed syndrome; Multiple cutaneous and uterine leiomyomatosis. Identifiers: Orphanet 523, MedGen C1708350, MONDO:0007888, OMIM 150800, HP:0007437. Disease mechanism: loss of function.
Fumarase deficiency (FMRD). Also called: Fumaric aciduria; Fumarate Hydratase Deficiency. Identifiers: Orphanet 24, MedGen C0342770, MONDO:0011730, OMIM 606812.
Hereditary cancer-predisposing syndrome. Also called: Neoplastic Syndromes, Hereditary; Tumor predisposition; Hereditary Cancer Syndrome; Hereditary neoplastic syndrome. Identifiers: Orphanet 140162, MedGen C0027672, MeSH D009386, MONDO:0015356.

Allele frequency attached by ClinVar (database versions not stated): gnomAD 0.00003 and 0.00002; ExAC 0.00004; TOPMed 0.00002.
gnomAD v4.1: 14 of 1,613,688 alleles (0.00087%); highest among the groups gnomAD compares: Non-Finnish European, 0.00093%; no homozygotes.

Submissions 1 to 8 of 25:

Institute of Human Genetics, University of Leipzig Medical Center
Classification: Pathogenic for Hereditary leiomyomatosis and renal cell cancer. Last evaluated: 2026-07-08. Review status: criteria provided, single submitter. Criteria: ACMG Guidelines, 2015. Collection method: clinical testing. Allele origin: unknown. Affected: yes.
Comment: Criteria applied: PS4,PM5_STR,PP1_STR,PS3_MOD,PM3_SUP,PP3,PP4

Labcorp Genetics (formerly Invitae), Labcorp
Classification: Pathogenic. Last evaluated: 2026-01-07. Review status: criteria provided, single submitter. Criteria: Invitae Variant Classification Sherloc (09022015). Collection method: clinical testing. Allele origin: germline.
Comment: This sequence change replaces arginine, which is basic and polar, with histidine, which is basic and polar, at codon 233 of the FH protein (p.Arg233His). This variant is present in population databases (rs121913123, gnomAD 0.004%). This missense change has been observed in individuals with hereditary leiomyomatosis and renal cell cancer (PMID: 11865300, 12772087, 15937070, 20618355, 22127509). This variant is also known as c.569G>A, p.Arg190His. ClinVar contains an entry for this variant (Variation ID: 16236). Invitae Evidence Modeling of protein sequence and biophysical properties (such as structural, functional, and spatial information, amino acid conservation, physicochemical variation, residue mobility, and thermodynamic stability) indicates that this missense variant is expected to disrupt FH protein function with a positive predictive value of 95%. Experimental studies have shown that this missense change affects FH function (PMID: 11865300, 17960613, 18313410, 21445611). This variant disrupts the p.Arg233 amino acid residue in FH. Other variant(s) that disrupt this residue have been determined to be pathogenic (PMID: 21445611). This suggests that this residue is clinically significant, and that variants that disrupt this residue are likely to be disease-causing. For these reasons, this variant has been classified as Pathogenic.

PreventionGenetics, part of Exact Sciences
Classification: Pathogenic for FH-related condition. Last evaluated: 2025-12-31. Review status: criteria provided, single submitter. Criteria: ACMG Guidelines, 2015. Collection method: clinical testing. Allele origin: germline.
Comment: The FH c.698G>A variant is predicted to result in the amino acid substitution p.Arg233His. This variant, also known as R190H in the literature, has been reported in individuals with hereditary leiomyomatosis and renal cell cancer (Tomlinson et al. 2002. PubMed ID: 11865300; Gatalica et al. 2011. PubMed ID: 21733559; Smit et al. 2011. PubMed ID: 20618355; Forde et al. 2019. PubMed ID: 31831373). This variant is reported in 0.0039% of alleles in individuals of European (Non-Finnish) descent in gnomAD and is classified as pathogenic in ClinVar (Variation ID: 16236). Structural and functional studies indicate this variant impacts FH protein function (Xiao et al. 2012. PubMed ID: 22677546; Bulku et al. 2018. PubMed ID: 29456767). This variant is interpreted as pathogenic.

Medical and Scientific Branch, Hong Kong Genome Institute
Classification: Pathogenic for Hereditary leiomyomatosis and renal cell cancer. Last evaluated: 2025-12-11. Review status: criteria provided, single submitter. Criteria: ACMG Guidelines, 2015. Collection method: clinical testing. Allele origin: germline. Affected: yes.

Ambry Genetics
Classification: Pathogenic for Hereditary cancer-predisposing syndrome. Last evaluated: 2025-01-17. Review status: criteria provided, single submitter. Criteria: Ambry Variant Classification Scheme 2023. Collection method: clinical testing. Allele origin: germline.
Comment: The p.R233H pathogenic mutation (also known as c.698G>A), located in coding exon 5 of the FH gene, results from a G to A substitution at nucleotide position 698. The arginine at codon 233 is replaced by histidine, an amino acid with highly similar properties. This mutation has been identified in many patients and families affected with histologically confirmed cutaneous leiomyomata, uterine leiomyomata and renal tumors (Huter E et al. Acta Derm. Venereol. 2008;88(1):63-5; Smit DL et al. Clin. Genet. 2011 Jan;79(1):49-59; Wang C et al. JAAD Case Rep. 2015 May;1(3):150-2). This mutation has been demonstrated to result in decreased FH enzyme activity in multiple individuals (Tomlinson IP et al. Nat. Genet. 2002 Apr;30(4):406-10; Alam N et al. Hum. Mol. Genet. 2003 Jun;12(11):1241-52). In addition, this mutation was also detected in two unrelated individuals with demonstrated loss of heterozygosity for FH on tumor analysis (Gatalica Z et al. Hum. Pathol. 2011 Dec;42(12):1979-88; Sanz-Ortega J et al. Am. J. Surg. Pathol. 2013 Jan;37(1):74-80). Furthermore, data suggests that this mutation may represent a founder effect or occur at a mutation hotspot (Toro JR et al. Am. J. Hum. Genet. 2003 Jul;73(1):95-106; Wei M et al. J. Med. Genet. 2006 Jan;43(1):18-27). Of note, this alteration is also often referred to as p.R190H in published literature. This amino acid position is highly conserved in available vertebrate species. In addition, this alteration is predicted to be deleterious by in silico analysis. Based on the available evidence, this alteration is classified as a pathogenic mutation.

Natera, Inc.
Classification: Pathogenic for Fumarase Deficiency. Last evaluated: 2024-12-13. Review status: criteria provided, single submitter. Criteria: Natera Variant Classification Schema (03/2026). Collection method: clinical testing. Allele origin: germline.
Comment: The c.698G>A variant in FH is a missense variant predicted to cause substitution of arginine to histidine at amino acid 233. This variant is rare in the general population with a frequency below the threshold expected for the associated phenotype(s). This variant has been observed in one or more individuals affected with the associated recessive disease, as either homozygous or compound heterozygous with a second variant (PMID: 15987702, 33052056). This variant has been observed in affected individual(s) with monoallelic occurrence (heterozygous/hemizygous) (PMID: 34724198, 36777509). Functional studies show that this variant may disrupt protein function (PMID: 17960613, 15987702). A different variant at the same position has been determined to be Pathogenic or Likely Pathogenic. Computational prediction algorithms indicate this variant is likely to affect gene or protein function. Given the available evidence, this variant is classified as Pathogenic.

Molecular Diagnostics Laboratory, Catalan Institute of Oncology
Classification: Pathogenic for Hereditary cancer-predisposing syndrome. Last evaluated: 2024-12-10. Review status: criteria provided, single submitter. Criteria: ACMG Guidelines, 2015. Collection method: clinical testing. Allele origin: germline.
Comment: PM3_supporting, PS3_Moderate, PM2_Supporting, PP1_Strong, PP3_Moderate, PP4_Strong c.698G>A, located in exon 5 of the FH gene, is predicted to result in the substitution of arginine by histidine at codon 233, p.(Arg233His). This variant is found in 2/268142 with an allele frequency of 0.0007% in the gnomAD v2.1.1 database (non-cancer data set). (PM2_supporting). The SpliceAI algorithm predicts no significant impact on splicing and the REVEL meta-predictor score for this variant (0.963) suggests a deleterious effect on protein function according to Pejaver 2022 thresholds (PMID: 36413997)(PP3_Moderate). Experimental studies measuring enzyme activity have shown this variant has deleterious effects on FH protein function (PMID: 11865300, PMID: 18313410, PMID: 17960613)(PS3_Moderate). In addition, FH c.698G>A has been identified in several patients from different independent families cosegregating with clinical features of hereditary leiomyomatosis (HLRCC) (PMID: 12772087, PMID: 15937070, PMID: 11865300, PMID: 16151915 and internal data)(PP4_Strong, PP1_Strong). This variant has been reported in the ClinVar database (21x Pathogenic) and in the LOVD database (5x pathogenic, 5x uncertain significance). Based on currently available information, the variant c.698G>A is classified as a pathogenic variant according to ACMG guidelines.

Baylor Genetics
Classification: Pathogenic for Fumarase deficiency. Last evaluated: 2024-03-13. Review status: criteria provided, single submitter. Criteria: ACMG Guidelines, 2015. Collection method: clinical testing. Allele origin: unknown.

NM_000143.4(FH):c.698G>A (p.Arg233His)

Gene: FH (fumarate hydratase; minus strand). Cytogenetic location: 1q43.
Variant type: single nucleotide variant.
Coding change: c.698G>A on transcript NM_000143.4 (MANE Select); coding-DNA position 698, G replaced by A.
Protein change: p.Arg233His; replaces arginine 233 with histidine.
Molecular consequence: missense variant.
Genome position (GRCh38, 1-based): chr1:241,508,643, C>T on the plus strand (G>A on the coding strand, the complement: FH is on the minus strand). VCF-style: chr1-241508643-C-T. GRCh37 (hg19) VCF-style: chr1-241671943-C-T.
Other names: R190H; p.R233H:CGT>CAT; short protein forms R233H.
Identifiers: ClinVar variation 16236 (VCV000016236.71), dbSNP rs121913123, ClinGen allele CA257459.